The following is an entry in ClinVar:

ClinVar aggregate classification (germline): Likely pathogenic (1 of 4 stars; one submission).

Conditions:
Argininosuccinate lyase deficiency. Also called: ARGININOSUCCINIC ACID LYASE DEFICIENCY; ASL DEFICIENCY; Argininosuccinic aciduria. Identifiers: Orphanet 23, MedGen C0268547, MONDO:0008815, OMIM 207900, HP:0025630.

gnomAD v4.1: 2 of 1,613,272 alleles (0.00012%); highest among the groups gnomAD compares: Non-Finnish European, 0.00017%; no homozygotes.

Submission:

Labcorp Genetics (formerly Invitae), Labcorp
Classification: Likely pathogenic for Argininosuccinate lyase deficiency. Last evaluated: 2022-04-08. Review status: criteria provided, single submitter. Criteria: Invitae Variant Classification Sherloc (09022015). Collection method: clinical testing. Allele origin: germline.
Comment: This sequence change replaces glycine, which is neutral and non-polar, with arginine, which is basic and polar, at codon 402 of the ASL protein (p.Gly402Arg). This variant is not present in population databases (gnomAD no frequency). This variant has not been reported in the literature in individuals affected with ASL-related conditions. Advanced modeling of protein sequence and biophysical properties (such as structural, functional, and spatial information, amino acid conservation, physicochemical variation, residue mobility, and thermodynamic stability) performed at Invitae indicates that this missense variant is expected to disrupt ASL protein function. This variant disrupts the p.Gly402 amino acid residue in ASL. Other variant(s) that disrupt this residue have been determined to be pathogenic (Invitae). This suggests that this residue is clinically significant, and that variants that disrupt this residue are likely to be disease-causing. In summary, the currently available evidence indicates that the variant is pathogenic, but additional data are needed to prove that conclusively. Therefore, this variant has been classified as Likely Pathogenic.

NM_000048.4(ASL):c.1204G>A (p.Gly402Arg)

Gene: ASL (argininosuccinate lyase; plus strand). Cytogenetic location: 7q11.21.
Variant type: single nucleotide variant.
Coding change: c.1204G>A on transcript NM_000048.4 (MANE Select); coding-DNA position 1204, G replaced by A.
Protein change: p.Gly402Arg; replaces glycine 402 with arginine.
Molecular consequence: missense variant.
Genome position (GRCh38, 1-based): chr7:66,092,617, G>A. VCF-style: chr7-66092617-G-A. GRCh37 (hg19) VCF-style: chr7-65557604-G-A.
Other names: c.1204G>A, p.Gly402Arg (NM_001024943.2); c.1144G>A, p.Gly382Arg (NM_001024944.2); c.1126G>A, p.Gly376Arg (NM_001024946.2); short protein forms G402R, G376R, G382R.
Identifiers: ClinVar variation 1477767 (VCV001477767.6), dbSNP rs727503812, ClinGen allele CA367651551.